The following is an entry in ClinVar:

ClinVar aggregate classification (germline): Pathogenic/Likely pathogenic. Review status: criteria provided, multiple submitters, no conflicts (2 of 4 stars). 2 submissions from 2 submitters: Pathogenic (1); Likely pathogenic (1). Last evaluated 2025-10-30.

Conditions:
Fanconi anemia complementation group E (FANCE). Also called: FANCE-Related Fanconi Anemia. Identifiers: Orphanet 84, MedGen C3160739, MONDO:0010953, OMIM 600901.

Submissions (2):

Dasa
Classification: Likely pathogenic. Last evaluated: 2025-10-30. Review status: criteria provided, single submitter. Criteria: DASA Assertion Criteria. Collection method: clinical testing. Allele origin: germline.
Comment: NM_021922.3(FANCE):c.753_756dup (p.Asp253*) is a frameshift variant in FANCE predicted to alter the reading frame and introduce a premature termination codon and is predicted to result in an absent or altered protein product. Loss of function is an established disease mechanism for FANCE-associated disorders. Also, this variant is absent from population databases. Based on the currently available evidence, this variant is classified as likely pathogenic.

Labcorp Genetics (formerly Invitae), Labcorp
Classification: Pathogenic for Fanconi anemia complementation group E. Last evaluated: 2024-08-26. Review status: criteria provided, single submitter. Criteria: Invitae Variant Classification Sherloc (09022015). Collection method: clinical testing. Allele origin: germline.
Comment: This sequence change creates a premature translational stop signal (p.Asp253*) in the FANCE gene. It is expected to result in an absent or disrupted protein product. Loss-of-function variants in FANCE are known to be pathogenic (PMID: 11001585, 17924555). This variant is not present in population databases (gnomAD no frequency). This variant has not been reported in the literature in individuals affected with FANCE-related conditions. Algorithms developed to predict the effect of sequence changes on RNA splicing suggest that this variant may disrupt the consensus splice site. For these reasons, this variant has been classified as Pathogenic.

Literature cited by the submitters: PubMed 11001585 (cited by Labcorp Genetics (formerly Invitae), Labcorp); PubMed 17924555 (cited by Labcorp Genetics (formerly Invitae), Labcorp).

NM_021922.3(FANCE):c.753_756dup (p.Asp253Ter)

Gene: FANCE (FA complementation group E; plus strand). Cytogenetic location: 6p21.31.
Variant type: Duplication.
Coding change: c.753_756dup on transcript NM_021922.3 (MANE Select); coding-DNA positions 753 to 756, 4 bases duplicated (TAAG; older notation c.753_756dupTAAG).
Protein change: p.Asp253Ter; replaces aspartic acid 253 with a stop codon.
Molecular consequence: nonsense.
Genome position (GRCh38, 1-based): chr6:35,456,251-35,456,254, TAAG duplicated. VCF-style (leftmost placement, unchanged base first): chr6-35456250-T-TTAAG. GRCh37 (hg19) VCF-style: chr6-35424027-T-TTAAG.
Other names: c.753_756dup, p.Asp253Ter (NM_001410876.1); short protein forms D253*.
Identifiers: ClinVar variation 2766431 (VCV002766431.5), dbSNP rs1238925545, ClinGen allele CA566702922.